The following is an entry in ClinVar:

NM_006796.3(AFG3L2):c.1219G>A (p.Asp407Asn)

Gene: AFG3L2 (AFG3 like matrix AAA peptidase subunit 2; minus strand). Cytogenetic location: 18p11.21.
Variant type: single nucleotide variant.
Coding change: c.1219G>A on transcript NM_006796.3 (MANE Select); coding-DNA position 1219, G replaced by A.
Protein change: p.Asp407Asn; replaces aspartic acid 407 with asparagine.
Molecular consequence: missense variant.
Genome position (GRCh38, 1-based): chr18:12,353,104, C>T on the plus strand (G>A on the coding strand, the complement: AFG3L2 is on the minus strand). VCF-style: chr18-12353104-C-T. GRCh37 (hg19) VCF-style: chr18-12353103-C-T.
Other names: short protein forms D407N.
Identifiers: ClinVar variation 1301415 (VCV001301415.12), dbSNP rs2143171648, ClinGen allele CA401952932.

ClinVar aggregate classification (germline): Conflicting classifications of pathogenicity. Review status: criteria provided, conflicting classifications (1 of 4 stars). 4 submissions from 4 submitters: Pathogenic (1); Likely pathogenic (1); Uncertain significance (2). Last evaluated 2026-09-25.

Submissions (4):

GeneDx
Classification: Likely pathogenic. Last evaluated: 2026-09-25. Review status: criteria provided, single submitter. Criteria: GeneDx Variant Classification Process June 2021. Collection method: clinical testing. Allele origin: germline.
Comment: Reported as de novo in a patient with global developmental delay, failure to thrive, seizures, thinning of the optic chiasm, and mild atrophy of the optic nerves (PMID: 38538918); In silico analysis supports that this missense variant has a deleterious effect on protein structure/function; Not observed at significant frequency in large population cohorts (gnomAD); This variant is associated with the following publications: (PMID: 35982159, 33057194, 37541188, 38538918)

Revvity Omics, Revvity
Classification: Uncertain significance. Last evaluated: 2024-12-18. Review status: criteria provided, single submitter. Criteria: ACMG Guidelines, 2015. Collection method: clinical testing. Allele origin: germline.

Labcorp Genetics (formerly Invitae), Labcorp
Classification: Pathogenic. Last evaluated: 2022-12-29. Review status: criteria provided, single submitter. Criteria: Invitae Variant Classification Sherloc (09022015). Collection method: clinical testing. Allele origin: germline.
Comment: This sequence change replaces aspartic acid, which is acidic and polar, with asparagine, which is neutral and polar, at codon 407 of the AFG3L2 protein (p.Asp407Asn). This variant is not present in population databases (gnomAD no frequency). This missense change has been observed in individual(s) with clinical features of autosomal dominant spinocerebellar ataxia (Invitae). In at least one individual the variant was observed to be de novo. ClinVar contains an entry for this variant (Variation ID: 1301415). Advanced modeling of protein sequence and biophysical properties (such as structural, functional, and spatial information, amino acid conservation, physicochemical variation, residue mobility, and thermodynamic stability) performed at Invitae indicates that this missense variant is expected to disrupt AFG3L2 protein function. For these reasons, this variant has been classified as Pathogenic.

Blueprint Genetics
Classification: Uncertain significance. Last evaluated: 2022-06-06. Review status: criteria provided, single submitter. Criteria: ACMG Guidelines, 2015. Collection method: clinical testing. Allele origin: germline.